The following is an entry in ClinVar:

NM_001353345.2(SETD1B):c.1341G>A (p.Lys447=)

Gene: SETD1B (SET domain containing 1B, histone lysine methyltransferase; plus strand). Cytogenetic location: 12q24.31.
Variant type: single nucleotide variant.
Coding change: c.1341G>A on transcript NM_001353345.2 (MANE Select); coding-DNA position 1341, G replaced by A.
Protein change: p.Lys447=; no amino-acid change (lysine 447 retained).
Molecular consequence: synonymous variant.
Genome position (GRCh38, 1-based): chr12:121,810,286, G>A. VCF-style: chr12-121810286-G-A. GRCh37 (hg19) VCF-style: chr12-122248192-G-A.
Identifiers: ClinVar variation 2643429 (VCV002643429.25), dbSNP rs758331807, ClinGen allele CA6838855.
Genomic context (GRCh38, chr12:121,810,286, plus strand): 5'-GTTCCGGAGGGCACCGGCGCCCCCACCCCTGCCACCTGCTGAGCCTCTGGCCAAGGAGAA[G>A]CCAGGCACGCCACCCGGCCCGCCGCCCCCCGACACCAACAGCATGGAGCTGGGCGGCCGG-3'
Protein context (NP_001340274.1, residues 437-457): LPPAEPLAKE[Lys447=]PGTPPGPPPP

ClinVar aggregate classification (germline): Likely benign. Review status: criteria provided, multiple submitters, no conflicts (2 of 4 stars). 2 submissions from 2 submitters: Likely benign (2). Last evaluated 2026-06-01.

Allele frequency attached by ClinVar (database versions not stated): ExAC 0.00026; gnomAD 0.00030; TOPMed 0.00036; gnomAD exomes 0.00042.
gnomAD v4.1: 660 of 1,543,496 alleles (0.043%); highest among the groups gnomAD compares: Middle Eastern, 1.7%; 7 homozygotes.

Submissions (2):

CeGaT Center for Human Genetics Tuebingen
Classification: Likely benign. Last evaluated: 2026-06-01. Review status: criteria provided, single submitter. Criteria: CeGaT Center For Human Genetics Tuebingen Variant Classification Criteria Version 2. Collection method: clinical testing. Allele origin: germline. Affected: yes. Observed: 2 variant alleles.
Comment: SETD1B: BP4, BS1

Blueprint Genetics
Classification: Likely benign. Last evaluated: 2024-11-13. Review status: criteria provided, single submitter. Criteria: ACMG Guidelines, 2015. Collection method: clinical testing. Allele origin: germline.